The following is an entry in ClinVar:

NM_018699.4(PRDM5):c.1841A>G (p.Asn614Ser)

Gene: PRDM5 (PR/SET domain 5; minus strand). Cytogenetic location: 4q27.
Variant type: single nucleotide variant.
Coding change: c.1841A>G on transcript NM_018699.4 (MANE Select); coding-DNA position 1841, A replaced by G.
Protein change: p.Asn614Ser; replaces asparagine 614 with serine.
Molecular consequence: missense variant. On other transcripts: 3 prime UTR variant (1).
Genome position (GRCh38, 1-based): chr4:120,695,163, T>C on the plus strand (A>G on the coding strand, the complement: PRDM5 is on the minus strand). VCF-style: chr4-120695163-T-C. GRCh37 (hg19) VCF-style: chr4-121616318-T-C.
Other names: p.Asn614Ser; c.1841A>G (NM_018699.2); c.1748A>G, p.Asn583Ser (NM_001300823.2); c.*156A>G (NM_001300824.2); c.1874A>G, p.Asn625Ser (NM_001379104.1); c.1643A>G, p.Asn548Ser (NM_001379106.1); short protein forms N548S, N583S, N614S, N625S.
Identifiers: ClinVar variation 4540995 (VCV004540995.2).

ClinVar aggregate classification (germline): Uncertain significance. Review status: criteria provided, multiple submitters, no conflicts (2 of 4 stars). 2 submissions from 2 submitters: Uncertain significance (2). Last evaluated 2025-12-21.

Conditions:
Cardiovascular phenotype. Identifiers: MedGen CN230736.

Submissions (2):

Ambry Genetics
Classification: Uncertain significance for Cardiovascular phenotype. Last evaluated: 2025-12-21. Review status: criteria provided, single submitter. Criteria: Ambry Variant Classification Scheme 2023. Collection method: clinical testing. Allele origin: germline.
Comment: The p.N614S variant (also known as c.1841A>G), located in coding exon 16 of the PRDM5 gene, results from an A to G substitution at nucleotide position 1841. The asparagine at codon 614 is replaced by serine, an amino acid with highly similar properties. This amino acid position is conserved. In addition, this alteration is predicted to be tolerated by in silico analysis. Based on the available evidence, the clinical significance of this variant remains unclear.

Mayo Clinic Laboratories, Mayo Clinic
Classification: Uncertain significance. Last evaluated: 2025-03-17. Review status: criteria provided, single submitter. Criteria: ACMG Guidelines, 2015. Collection method: clinical testing. Allele origin: germline. Observed: 1 variant allele.
Comment: BP4_moderate, PM2_supporting